The following is an entry in ClinVar:

ClinVar aggregate classification (germline): Benign/Likely benign. Review status: criteria provided, multiple submitters, no conflicts (2 of 4 stars). 2 submissions from 2 submitters: Benign (1); Likely benign (1). Last evaluated 2026-01-27.

Conditions:
GPI-related disorder. Also called: GPI-related condition.

gnomAD v4.1: 267 of 1,613,976 alleles (0.017%); highest among the groups gnomAD compares: Middle Eastern, 0.066%; no homozygotes.

Submissions (2):

Labcorp Genetics (formerly Invitae), Labcorp
Classification: Benign. Last evaluated: 2026-01-27. Review status: criteria provided, single submitter. Criteria: Invitae Variant Classification Sherloc (09022015). Collection method: clinical testing. Allele origin: germline.

PreventionGenetics, part of Exact Sciences
Classification: Likely benign for GPI-related condition. Last evaluated: 2025-07-15. Review status: criteria provided, single submitter. Criteria: ACMG Guidelines, 2015. Collection method: clinical testing. Allele origin: germline.
Comment: This variant is classified as likely benign based on ACMG/AMP sequence variant interpretation guidelines (Richards et al. 2015 PMID: 25741868, with internal and published modifications).

NM_000175.5(GPI):c.1536G>A (p.Gln512=)

Gene: GPI (glucose-6-phosphate isomerase; plus strand). Cytogenetic location: 19q13.11.
Variant type: single nucleotide variant.
Coding change: c.1536G>A on transcript NM_000175.5 (MANE Select); coding-DNA position 1536, G replaced by A.
Protein change: p.Gln512=; no amino-acid change (glutamine 512 retained).
Molecular consequence: synonymous variant.
Genome position (GRCh38, 1-based): chr19:34,399,780, G>A. VCF-style: chr19-34399780-G-A. GRCh37 (hg19) VCF-style: chr19-34890685-G-A.
Other names: c.1569G>A, p.Gln523= (NM_001184722.1); c.1653G>A, p.Gln551= (NM_001289789.1); c.1452G>A, p.Gln484= (NM_001289790.3); c.1536G>A, p.Gln512= (NM_001329909.1, NM_001329910.1); c.1509G>A, p.Gln503= (NM_001329911.2); c.1536G>A (NM_000175.4).
Identifiers: ClinVar variation 3660608 (VCV003660608.3).